The following is an entry in ClinVar:

NM_006015.6(ARID1A):c.500C>T (p.Ala167Val)

Gene: ARID1A (AT-rich interaction domain 1A; plus strand). Cytogenetic location: 1p36.11.
Variant type: single nucleotide variant.
Coding change: c.500C>T on transcript NM_006015.6 (MANE Select); coding-DNA position 500, C replaced by T.
Protein change: p.Ala167Val; replaces alanine 167 with valine.
Molecular consequence: missense variant.
Genome position (GRCh38, 1-based): chr1:26,696,903, C>T. VCF-style: chr1-26696903-C-T. GRCh37 (hg19) VCF-style: chr1-27023394-C-T.
Other names: c.500C>T (NM_139135.2); c.500C>T, p.Ala167Val (NM_139135.4); short protein forms A167V.
Identifiers: ClinVar variation 847724 (VCV000847724.11), dbSNP rs1327610437, ClinGen allele CA339265405.

ClinVar aggregate classification (germline): Conflicting classifications of pathogenicity. Review status: criteria provided, conflicting classifications (1 of 4 stars). 2 submissions from 2 submitters: Uncertain significance (1); Likely benign (1). Last evaluated 2024-07-11.

Conditions:
Autism spectrum disorder. Also called: Autism spectrum disorders. Identifiers: MedGen C1510586, MeSH D000067877, MONDO:0005258.

Allele frequency attached by ClinVar (database versions not stated): TOPMed 0.00002; gnomAD 0.00003; gnomAD exomes 0.00001.
gnomAD v4.1: 6 of 1,383,218 alleles (0.00043%); highest among the groups gnomAD compares: African/African-American, 0.0045%; no homozygotes.

Submissions (2):

Labcorp Genetics (formerly Invitae), Labcorp
Classification: Uncertain significance. Last evaluated: 2024-07-11. Review status: criteria provided, single submitter. Criteria: Invitae Variant Classification Sherloc (09022015). Collection method: clinical testing. Allele origin: germline.
Comment: This sequence change replaces alanine, which is neutral and non-polar, with valine, which is neutral and non-polar, at codon 167 of the ARID1A protein (p.Ala167Val). This variant is not present in population databases (gnomAD no frequency). This variant has not been reported in the literature in individuals affected with ARID1A-related conditions. ClinVar contains an entry for this variant (Variation ID: 847724). Advanced modeling of protein sequence and biophysical properties (such as structural, functional, and spatial information, amino acid conservation, physicochemical variation, residue mobility, and thermodynamic stability) performed at Invitae indicates that this missense variant is not expected to disrupt ARID1A protein function with a negative predictive value of 95%. In summary, the available evidence is currently insufficient to determine the role of this variant in disease. Therefore, it has been classified as a Variant of Uncertain Significance.

Department of Genetics, Rouen University Hospital, Normandy Center for Genomic and Personalized Medicine
Classification: Likely benign for Autism spectrum disorder. Last evaluated: 2022-04-13. Review status: criteria provided, single submitter. Criteria: ACMG Guidelines, 2015. Collection method: clinical testing. Allele origin: maternal. Affected: yes.